The following is an entry in ClinVar:

NM_015570.4(AUTS2):c.1883T>C (p.Leu628Ser)

Gene: AUTS2 (activator of transcription and developmental regulator AUTS2; plus strand). Cytogenetic location: 7q11.22.
Variant type: single nucleotide variant.
Coding change: c.1883T>C on transcript NM_015570.4 (MANE Select); coding-DNA position 1883, T replaced by C.
Protein change: p.Leu628Ser; replaces leucine 628 with serine.
Molecular consequence: missense variant. On other transcripts: intron variant (1).
Genome position (GRCh38, 1-based): chr7:70,774,080, T>C. VCF-style: chr7-70774080-T-C. GRCh37 (hg19) VCF-style: chr7-70239066-T-C.
Other names: c.1831-1277T>C (NM_001127231.3); short protein forms L628S.
Identifiers: ClinVar variation 3344837 (VCV003344837.1).

ClinVar aggregate classification (germline): Uncertain significance (0 of 4 stars; one submission).

Conditions:
AUTS2-related disorder. Also called: AUTS2-related condition.

Submission:

PreventionGenetics, part of Exact Sciences
Classification: Uncertain significance for AUTS2-related condition. Last evaluated: 2024-06-27. Review status: no assertion criteria provided. Collection method: clinical testing. Allele origin: germline.
Comment: The AUTS2 c.1883T>C variant is predicted to result in the amino acid substitution p.Leu628Ser. To our knowledge, this variant has not been reported in the literature or in a large population database, indicating this variant is rare. At this time, the clinical significance of this variant is uncertain due to the absence of conclusive functional and genetic evidence.